The following is an entry in ClinVar:

NM_000051.4(ATM):c.5013del (p.Gly1672fs)

Gene: ATM (ATM serine/threonine kinase; plus strand). Cytogenetic location: 11q22.3.
Variant type: Deletion.
Coding change: c.5013del on transcript NM_000051.4 (MANE Select); coding-DNA position 5013, one base deleted (T; older notation c.5013delT).
Protein change: p.Gly1672fs; shifts the reading frame from glycine 1672.
Molecular consequence: frameshift variant.
Genome position (GRCh38, 1-based): chr11:108,299,721, T deleted; the last of 2 consecutive T bases (chr11:108,299,720-108,299,721); deleting either gives the same sequence. VCF-style (leftmost placement, unchanged base first): chr11-108299719-GT-G. GRCh37 (hg19) VCF-style: chr11-108170446-GT-G.
Other names: c.5013del, p.Gly1672fs (NM_001351834.2); short protein forms G1672fs.
Identifiers: ClinVar variation 3148386 (VCV003148386.1), dbSNP rs2546963840, ClinGen allele CA2825001911.

ClinVar aggregate classification (germline): Pathogenic (1 of 4 stars; one submission).

Conditions:
Familial cancer of breast. Also called: BREAST CANCER, FAMILIAL; Hereditary breast cancer; hereditary breast carcinoma. Identifiers: Orphanet 227535, MedGen C0346153, MONDO:0016419, OMIM 114480. Disease mechanism: loss of function.

Submission:

Myriad Genetics, Inc.
Classification: Pathogenic for Familial cancer of breast. Last evaluated: 2024-01-25. Review status: criteria provided, single submitter. Criteria: Myriad Autosomal Dominant, Autosomal Recessive and X-Linked Classification Criteria (2023). Collection method: clinical testing. Allele origin: unknown.
Comment: This variant is considered pathogenic. This variant creates a frameshift predicted to result in premature protein truncation.